The following is an entry in ClinVar:

ClinVar aggregate classification (germline): Uncertain significance (1 of 4 stars; one submission).

gnomAD v4.1: 8 of 1,612,858 alleles (0.0005%); highest among the groups gnomAD compares: African/African-American, 0.0027%; no homozygotes.

Submission:

Labcorp Genetics (formerly Invitae), Labcorp
Classification: Uncertain significance. Last evaluated: 2025-11-12. Review status: criteria provided, single submitter. Criteria: Invitae Variant Classification Sherloc (09022015). Collection method: clinical testing. Allele origin: germline.
Comment: This sequence change replaces arginine, which is basic and polar, with glutamine, which is neutral and polar, at codon 204 of the CARMIL2 protein (p.Arg204Gln). This variant also falls at the last nucleotide of exon 8, which is part of the consensus splice site for this exon. The frequency data for this variant in the population databases is considered unreliable, as metrics indicate poor data quality at this position in the gnomAD database. This variant has not been reported in the literature in individuals affected with CARMIL2-related conditions. An algorithm developed to predict the effect of missense changes on protein structure and function (PolyPhen-2) suggests that this variant is likely to be disruptive. Variants that disrupt the consensus splice site are a relatively common cause of aberrant splicing (PMID: 17576681, 9536098). Algorithms developed to predict the effect of sequence changes on RNA splicing suggest that this variant may disrupt the consensus splice site. In summary, the available evidence is currently insufficient to determine the role of this variant in disease. Therefore, it has been classified as a Variant of Uncertain Significance.

Literature cited by the submitters: PubMed 17576681; PubMed 9536098.

NM_001013838.3(CARMIL2):c.611G>A (p.Arg204Gln)

Gene: CARMIL2 (capping protein regulator and myosin 1 linker 2; plus strand). Cytogenetic location: 16q22.1.
Variant type: single nucleotide variant.
Coding change: c.611G>A on transcript NM_001013838.3 (MANE Select); coding-DNA position 611, G replaced by A.
Protein change: p.Arg204Gln; replaces arginine 204 with glutamine.
Molecular consequence: missense variant.
Genome position (GRCh38, 1-based): chr16:67,646,973, G>A. VCF-style: chr16-67646973-G-A. GRCh37 (hg19) VCF-style: chr16-67680876-G-A.
Other names: c.611G>A, p.Arg204Gln (NM_001317026.3, NM_001438244.1, NM_001438835.1); short protein forms R204Q.
Identifiers: ClinVar variation 4695964 (VCV004695964.1).
Genomic context (GRCh38, chr16:67,646,973, plus strand): 5'-TTTACCATCGCCAGGGCTGCCGCCATTTCAGCCTGGGAGACTTCAGCCACCTCGGCAGTC[G>A]GTGTGTGGCCTGCCAGGATGGGAGAGGAGGAAGATCCCGGGGCCCATATCCCTGGGCCTC-3'
Protein context (NP_001013860.1, residues 194-214): SLGDFSHLGS[Arg204Gln]DLALSVAALS